The following is an entry in ClinVar:

ClinVar aggregate classification (germline): Benign/Likely benign. Review status: criteria provided, multiple submitters, no conflicts (2 of 4 stars). 18 submissions from 15 submitters: Benign (12); Likely benign (2). 4 of the submissions do not count toward it. Last evaluated 2026-02-04.

Conditions:
Joubert syndrome. Also called: Familial aplasia of the vermis; JOUBERT-BOLTSHAUSER SYNDROME. Identifiers: Orphanet 475, MedGen C5979921, MONDO:0018772.
Kidney disorder. Also called: renal disease; Kidney disease; Kidney Diseases; Nephropathy; renal disorder. Identifiers: MedGen C0022658, MONDO:0005240, HP:0000112.
Meckel-Gruber syndrome. Also called: Dysencephalia splachnocystica; DYSENCEPHALIA SPLANCHNOCYSTICA; GRUBER SYNDROME. Identifiers: Orphanet 564, MedGen C0265215, MONDO:0018921.
Meckel syndrome, type 5 (MKS5). Identifiers: Orphanet 564, MedGen C1969052, MONDO:0012695, OMIM 611561.
Nephronophthisis 8. Identifiers: MedGen CN119610.
Joubert syndrome 7 (JBTS7). Identifiers: Orphanet 220497, MedGen C1969053, MONDO:0012694, OMIM 611560.

Allele frequency attached by ClinVar (database versions not stated): TOPMed 0.03133; gnomAD 0.02738 and 0.03124; 1000 Genomes Project 30x 0.06184; 1000 Genomes Project 0.06210; ExAC 0.04629; ESP Exome Variant Server 0.02508.
gnomAD v4.1: 61,153 of 1,613,796 alleles (3.8%); highest among the groups gnomAD compares: East Asian, 13%; 1,789 homozygotes.

Submissions (18):

Labcorp Genetics (formerly Invitae), Labcorp
Classification: Benign for Joubert syndrome; Meckel-Gruber syndrome. Last evaluated: 2026-02-04. Review status: criteria provided, single submitter. Criteria: Invitae Variant Classification Sherloc (09022015). Collection method: clinical testing. Allele origin: germline.

Blueprint Genetics
Classification: Benign. Last evaluated: 2024-11-27. Review status: criteria provided, single submitter. Criteria: ACMG Guidelines, 2015. Collection method: clinical testing. Allele origin: germline.

Mayo Clinic Laboratories, Mayo Clinic
Classification: Benign. Last evaluated: 2023-05-11. Review status: criteria provided, single submitter. Criteria: ACMG Guidelines, 2015. Collection method: clinical testing. Allele origin: germline. Observed: 41 variant alleles.
Comment: BA1

Women's Health and Genetics/Laboratory Corporation of America, LabCorp
Classification: Likely benign. Last evaluated: 2021-12-10. Review status: criteria provided, single submitter. Criteria: LabCorp Variant Classification Summary - May 2015. Collection method: clinical testing. Allele origin: germline.

Genome-Nilou Lab
Classification: Benign for Joubert syndrome 7. Last evaluated: 2021-07-10. Review status: criteria provided, single submitter. Criteria: ACMG Guidelines, 2015. Collection method: clinical testing. Allele origin: germline. Affected: no.

Genome-Nilou Lab
Classification: Benign for Meckel syndrome, type 5. Last evaluated: 2021-07-10. Review status: criteria provided, single submitter. Criteria: ACMG Guidelines, 2015. Collection method: clinical testing. Allele origin: germline. Affected: no.

Genome Diagnostics Laboratory, The Hospital for Sick Children
Classification: Benign for Kidney disorder. Last evaluated: 2019-07-01. Review status: criteria provided, single submitter. Criteria: ACMG Guidelines, 2015. Collection method: clinical testing. Allele origin: germline.

Illumina Laboratory Services, Illumina
Classification: Benign for Joubert syndrome 7. Last evaluated: 2018-01-12. Review status: criteria provided, single submitter. Criteria: ICSL Variant Classification Criteria 13 December 2019. Collection method: clinical testing. Allele origin: germline.
Comment: This variant was observed in the ICSL laboratory as part of a predisposition screen in an ostensibly healthy population. It had not been previously curated by ICSL or reported in the Human Gene Mutation Database (HGMD: prior to June 1st, 2018), and was therefore a candidate for classification through an automated scoring system. Utilizing variant allele frequency, disease prevalence and penetrance estimates, and inheritance mode, an automated score was calculated to assess if this variant is too frequent to cause the disease. Based on the score and internal cut-off values, a variant classified as benign is not then subjected to further curation. The score for this variant resulted in a classification of benign for this disease.

Illumina Laboratory Services, Illumina
Classification: Benign for Meckel syndrome, type 5. Last evaluated: 2018-01-12. Review status: criteria provided, single submitter. Criteria: ICSL Variant Classification Criteria 13 December 2019. Collection method: clinical testing. Allele origin: germline.
Comment: the same text as in the submission from Illumina Laboratory Services, Illumina above.

Illumina Laboratory Services, Illumina
Classification: Benign for Nephronophthisis 8. Last evaluated: 2018-01-12. Review status: criteria provided, single submitter. Criteria: ICSL Variant Classification Criteria 13 December 2019. Collection method: clinical testing. Allele origin: germline.
Comment: the same text as in the submission from Illumina Laboratory Services, Illumina above.

GeneDx
Classification: Benign. Last evaluated: 2014-01-31. Review status: criteria provided, single submitter. Criteria: GeneDx Variant Classification (06012015). Collection method: clinical testing. Allele origin: germline. Affected: yes.
Comment: This variant is considered likely benign or benign based on one or more of the following criteria: it is a conservative change, it occurs at a poorly conserved position in the protein, it is predicted to be benign by multiple in silico algorithms, and/or has population frequency not consistent with disease.

Eurofins Ntd Llc (ga)
Classification: Benign. Last evaluated: 2013-09-10. Review status: criteria provided, single submitter. Criteria: EGL Classification Definitions 2015. Collection method: clinical testing. Allele origin: germline. Observed: 1 variant allele, 1 heterozygote.

Breakthrough Genomics
Classification: Likely benign. Review status: criteria provided, single submitter. Criteria: ACMG Guidelines, 2015. Collection method: not provided. Allele origin: germline. Inheritance: Autosomal recessive inheritance. Affected: yes.

PreventionGenetics, part of Exact Sciences
Classification: Benign. Review status: criteria provided, single submitter. Criteria: ACMG Guidelines, 2015. Collection method: clinical testing. Allele origin: germline.

Natera, Inc.
Classification: Benign for Joubert syndrome. Last evaluated: 2020-09-16. Review status: no assertion criteria provided. Collection method: clinical testing. Allele origin: germline. Not counted in ClinVar's aggregate classification.

Clinical Genetics DNA and cytogenetics Diagnostics Lab, Erasmus MC, Erasmus Medical Center
Classification: Benign. Review status: no assertion criteria provided. Collection method: clinical testing. Allele origin: germline. Affected: yes. Study: VKGL Data-share Consensus. Not counted in ClinVar's aggregate classification.

Genetic Services Laboratory, University of Chicago
Classification: Likely benign for AllHighlyPenetrant. Review status: no assertion criteria provided. Collection method: clinical testing. Allele origin: germline. Inheritance: Autosomal recessive inheritance. Observed: 53 variant alleles. Not counted in ClinVar's aggregate classification.
Comment: Likely benign based on allele frequency in 1000 Genomes Project or ESP global frequency and its presence in a patient with a rare or unrelated disease phenotype. NOT Sanger confirmed.

Laboratory of Diagnostic Genome Analysis, Leiden University Medical Center (LUMC)
Classification: Likely benign. Review status: no assertion criteria provided. Collection method: clinical testing. Allele origin: germline. Affected: yes. Study: VKGL Data-share Consensus. Not counted in ClinVar's aggregate classification.

NM_015272.5(RPGRIP1L):c.2231G>A (p.Arg744Gln)

Gene: RPGRIP1L (RPGRIP1 like; minus strand). Cytogenetic location: 16q12.2.
Variant type: single nucleotide variant.
Coding change: c.2231G>A on transcript NM_015272.5 (MANE Select); coding-DNA position 2231, G replaced by A.
Protein change: p.Arg744Gln; replaces arginine 744 with glutamine.
Molecular consequence: missense variant.
Genome position (GRCh38, 1-based): chr16:53,649,037, C>T on the plus strand (G>A on the coding strand, the complement: RPGRIP1L is on the minus strand). VCF-style: chr16-53649037-C-T. GRCh37 (hg19) VCF-style: chr16-53682949-C-T.
Other names: p.R744Q:CGA>CAA; c.2231G>A, p.Arg744Gln (NM_001127897.4, NM_001308334.3, NM_001330538.2); c.2231G>A (NM_015272.4); short protein forms R744Q.
Identifiers: ClinVar variation 95690 (VCV000095690.32), dbSNP rs2302677, ClinGen allele CA148752.